The following is an entry in ClinVar:

ClinVar aggregate classification (germline): Uncertain significance (1 of 4 stars; one submission).

Allele frequency attached by ClinVar (database versions not stated): gnomAD exomes below 0.00001.
gnomAD v4.1: 4 of 1,210,056 alleles (0.00033%); highest among the groups gnomAD compares: African/African-American, 0.0017%; no homozygotes.

Submission:

Labcorp Genetics (formerly Invitae), Labcorp
Classification: Uncertain significance. Last evaluated: 2026-01-20. Review status: criteria provided, single submitter. Criteria: Invitae Variant Classification Sherloc (09022015). Collection method: clinical testing. Allele origin: germline.
Comment: This sequence change replaces serine, which is neutral and polar, with threonine, which is neutral and polar, at codon 577 of the SH3KBP1 protein (p.Ser577Thr). This variant is not present in population databases (gnomAD no frequency). This variant has not been reported in the literature in individuals affected with SH3KBP1-related conditions. ClinVar contains an entry for this variant (Variation ID: 1426811). An algorithm developed to predict the effect of missense changes on protein structure and function (PolyPhen-2) suggests that this variant is likely to be tolerated. In summary, the available evidence is currently insufficient to determine the role of this variant in disease. Therefore, it has been classified as a Variant of Uncertain Significance.

NM_031892.3(SH3KBP1):c.1729T>A (p.Ser577Thr)

Gene: SH3KBP1 (SH3 domain containing kinase binding protein 1; minus strand). Cytogenetic location: Xp22.12.
Variant type: single nucleotide variant.
Coding change: c.1729T>A on transcript NM_031892.3 (MANE Select); coding-DNA position 1729, T replaced by A.
Protein change: p.Ser577Thr; replaces serine 577 with threonine.
Molecular consequence: missense variant.
Genome position (GRCh38, 1-based): chrX:19,542,088, A>T on the plus strand (T>A on the coding strand, the complement: SH3KBP1 is on the minus strand). VCF-style: chrX-19542088-A-T. GRCh37 (hg19) VCF-style: chrX-19560206-A-T.
Other names: c.1618T>A, p.Ser540Thr (NM_001024666.3); c.1015T>A, p.Ser339Thr (NM_001184960.2); c.1600T>A, p.Ser534Thr (NM_001353890.2); c.1804T>A, p.Ser602Thr (NM_001353891.2); c.1675T>A, p.Ser559Thr (NM_001353892.2); c.1627T>A, p.Ser543Thr (NM_001353893.2); c.1498T>A, p.Ser500Thr (NM_001353894.2); c.1555T>A, p.Ser519Thr (NM_001353895.2); and 1 more; short protein forms S500T, S534T, S602T, S339T, S540T, S559T, S296T, S519T.
Identifiers: ClinVar variation 1426811 (VCV001426811.8), dbSNP rs1181587402, ClinGen allele CA412495962.
Genomic context (GRCh38, chrX:19,542,088, plus strand): 5'-GTTTTCCTTCCGTGCCGAACAGAGACGGGGAGTTGGCTCTGTGTCCAGCTGTTCCCAAAG[A>T]GGATGACAGGGGGGAGGGCGCCGCTGAGGACAGAGGGGCTGGCCCACCGCCACCTGCTGC-3'
Protein context (NP_114098.1, residues 567-587): SSAAPSPLSS[Ser577Thr]LGTAGHRANS